The following is an entry in ClinVar:

NM_183075.3(CYP2U1):c.358T>C (p.Phe120Leu)

Genes: CYP2U1 (cytochrome P450 family 2 subfamily U member 1; plus strand), CYP2U1-AS1 (CYP2U1 and SGMS2 antisense RNA 1; minus strand). Cytogenetic location: 4q25.
Variant type: single nucleotide variant.
Coding change: c.358T>C on transcript NM_183075.3 (MANE Select); coding-DNA position 358, T replaced by C.
Protein change: p.Phe120Leu; replaces phenylalanine 120 with leucine.
Molecular consequence: missense variant. On other transcripts: non-coding transcript variant (1).
Genome position (GRCh38, 1-based): chr4:107,932,001, T>C. VCF-style: chr4-107932001-T-C. GRCh37 (hg19) VCF-style: chr4-108853157-T-C.
Other names: short protein forms F120L.
Identifiers: ClinVar variation 452869 (VCV000452869.6), dbSNP rs763896315, ClinGen allele CA3036975.

ClinVar aggregate classification (germline): Uncertain significance. Review status: criteria provided, multiple submitters, no conflicts (2 of 4 stars). 3 submissions from 3 submitters: Uncertain significance (3). Last evaluated 2025-01-22.

Conditions:
Inborn genetic diseases. Identifiers: MedGen C0950123, MeSH D030342.
Spastic paraplegia. Identifiers: MedGen C0037772, HP:0001258.

Allele frequency attached by ClinVar (database versions not stated): gnomAD exomes 0.00005 and 0.00011; ExAC 0.00038.
gnomAD v4.1: 75 of 1,556,014 alleles (0.0048%); highest among the groups gnomAD compares: South Asian, 0.056%; no homozygotes.

Submissions (3):

Ambry Genetics
Classification: Uncertain significance for Inborn genetic diseases. Last evaluated: 2025-01-22. Review status: criteria provided, single submitter. Criteria: Ambry Variant Classification Scheme 2023. Collection method: clinical testing. Allele origin: germline.

Labcorp Genetics (formerly Invitae), Labcorp
Classification: Uncertain significance for Spastic paraplegia. Last evaluated: 2022-07-05. Review status: criteria provided, single submitter. Criteria: Invitae Variant Classification Sherloc (09022015). Collection method: clinical testing. Allele origin: germline.
Comment: This sequence change replaces phenylalanine, which is neutral and non-polar, with leucine, which is neutral and non-polar, at codon 120 of the CYP2U1 protein (p.Phe120Leu). This variant is present in population databases (rs763896315, gnomAD 0.05%). This variant has not been reported in the literature in individuals affected with CYP2U1-related conditions. ClinVar contains an entry for this variant (Variation ID: 452869). Advanced modeling of protein sequence and biophysical properties (such as structural, functional, and spatial information, amino acid conservation, physicochemical variation, residue mobility, and thermodynamic stability) performed at Invitae indicates that this missense variant is not expected to disrupt CYP2U1 protein function. In summary, the available evidence is currently insufficient to determine the role of this variant in disease. Therefore, it has been classified as a Variant of Uncertain Significance.

GeneDx
Classification: Uncertain significance. Last evaluated: 2017-10-20. Review status: criteria provided, single submitter. Criteria: GeneDx Variant Classification (06012015). Collection method: clinical testing. Allele origin: germline. Affected: yes.
Comment: The F120L variant has not beenpublished as a pathogenic variant, nor has it been reported as a benign variant to our knowledge. This variant is observed in 12/23156 (0.05%) alleles from individuals of South Asian background, in large population cohorts (Lek et al., 2016). The F120L variant is a conservative amino acid substitution, which is not likely to impact secondaryprotein structure as these residues share similar properties. This substitution occurs at a position where amino acids with similar properties to Phenylalanine are tolerated across species. In silico analysis is inconsistent in itspredictions as to whether or not the variant is damaging to the protein structure/function. Therefore, based on the currently available information, it is unclear whether this variant is a pathogenic variant or a rare benign variant.